The following is an entry in ClinVar:

ClinVar aggregate classification (germline): Uncertain significance. Review status: criteria provided, multiple submitters, no conflicts (2 of 4 stars). 5 submissions from 5 submitters: Uncertain significance (5). Last evaluated 2025-05-28.

Conditions:
Familial adenomatous polyposis 1 (FAP1). Also called: FAMILIAL ADENOMATOUS POLYPOSIS 1, ATTENUATED; POLYPOSIS, ADENOMATOUS INTESTINAL. Identifiers: MedGen C2713442, MONDO:0021056, OMIM 175100. Disease mechanism: loss of function.
Classic or attenuated familial adenomatous polyposis. Identifiers: MedGen CN372698, MONDO:0021057.
Hereditary cancer-predisposing syndrome. Also called: Hereditary neoplastic syndrome; Neoplastic Syndromes, Hereditary; Tumor predisposition; Hereditary Cancer Syndrome. Identifiers: Orphanet 140162, MedGen C0027672, MeSH D009386, MONDO:0015356.

Submissions (5):

Labcorp Genetics (formerly Invitae), Labcorp
Classification: Uncertain significance for Familial adenomatous polyposis 1. Last evaluated: 2025-05-28. Review status: criteria provided, single submitter. Criteria: Invitae Variant Classification Sherloc (09022015). Collection method: clinical testing. Allele origin: germline.
Comment: This sequence change replaces histidine, which is basic and polar, with arginine, which is basic and polar, at codon 1629 of the APC protein (p.His1629Arg). This variant is not present in population databases (gnomAD no frequency). This missense change has been observed in individual(s) with prostate cancer (PMID: 35534218). ClinVar contains an entry for this variant (Variation ID: 423224). Invitae Evidence Modeling of protein sequence and biophysical properties (such as structural, functional, and spatial information, amino acid conservation, physicochemical variation, residue mobility, and thermodynamic stability) indicates that this missense variant is not expected to disrupt APC protein function with a negative predictive value of 95%. In summary, the available evidence is currently insufficient to determine the role of this variant in disease. Therefore, it has been classified as a Variant of Uncertain Significance.

Ambry Genetics
Classification: Uncertain significance for Hereditary cancer-predisposing syndrome. Last evaluated: 2024-09-05. Review status: criteria provided, single submitter. Criteria: Ambry Variant Classification Scheme 2023. Collection method: clinical testing. Allele origin: germline.
Comment: The p.H1629R variant (also known as c.4886A>G), located in coding exon 15 of the APC gene, results from an A to G substitution at nucleotide position 4886. The histidine at codon 1629 is replaced by arginine, an amino acid with highly similar properties. This alteration was identified in an individual diagnosed with prostate cancer (So MK et al. Investig Clin Urol, 2022 May;63:294-300). This amino acid position is well conserved in available vertebrate species. In addition, in silico predictors for this gene do not accurately predict pathogenicity. Missense alterations in APC are not a common cause of disease (Spier I et al. Genet Med. 2024 Feb;26(2):100992). Based on the available evidence, the clinical significance of this variant remains unclear.

All of Us Research Program, National Institutes of Health
Classification: Uncertain significance for Classic or attenuated familial adenomatous polyposis. Last evaluated: 2024-04-16. Review status: criteria provided, single submitter. Criteria: ACMG Guidelines, 2015. Collection method: clinical testing. Allele origin: germline. Inheritance: Autosomal dominant inheritance. Observed: 1 variant allele, 1 heterozygote.
Comment: This missense variant replaces histidine with arginine at codon 1629 of the APC protein. Computational prediction suggests that this variant may not impact protein structure and function (internally defined REVEL score threshold <= 0.5, PMID: 27666373). To our knowledge, functional studies have not been reported for this variant. This variant has not been reported in individuals affected with APC-related disorders in the literature. This variant has not been identified in the general population by the Genome Aggregation Database (gnomAD). The available evidence is insufficient to determine the role of this variant in disease conclusively. Therefore, this variant is classified as a Variant of Uncertain Significance.

This study involves interpretation of variants in research participants for the purpose of population health screening. Participant phenotype was not available at the time of variant classification. Additional details can be found in publication PMID: 35346344, PMCID: PMC8962531

Color Diagnostics, LLC DBA Color Health
Classification: Uncertain significance for Hereditary cancer-predisposing syndrome. Last evaluated: 2023-12-05. Review status: criteria provided, single submitter. Criteria: ACMG Guidelines, 2015. Collection method: clinical testing. Allele origin: germline.
Comment: This missense variant replaces histidine with arginine at codon 1629 of the APC protein. Computational prediction suggests that this variant may not impact protein structure and function (internally defined REVEL score threshold <= 0.5, PMID: 27666373). To our knowledge, functional studies have not been reported for this variant. This variant has not been reported in individuals affected with APC-related disorders in the literature. This variant has not been identified in the general population by the Genome Aggregation Database (gnomAD). The available evidence is insufficient to determine the role of this variant in disease conclusively. Therefore, this variant is classified as a Variant of Uncertain Significance.

GeneDx
Classification: Uncertain significance. Last evaluated: 2017-02-10. Review status: criteria provided, single submitter. Criteria: GeneDx Variant Classification (06012015). Collection method: clinical testing. Allele origin: germline. Affected: yes.
Comment: This variant is denoted APC c.4886A>G at the cDNA level, p.His1629Arg (H1629R) at the protein level, and results in the change of a Histidine to an Arginine (CAT>CGT). This variant has not, to our knowledge, been published in the literature as pathogenic or benign. APC His1629Arg was not observed in approximately 6,500 individuals of European and African American ancestry in the NHLBI Exome Sequencing Project, suggesting it is not a common benign variant in these populations. Since Histidine and Arginine share similar properties, this is considered a conservative amino acid substitution. APC His1629Arg occurs at a position that is conserved in mammals and is located in the 20-aa repeat B-catenin downregulating domain as well as the SAMP repeats/axin binding domain (Azzopardi 2008). In silico analyses are inconsistent regarding the effect this variant may have on protein structure and function. Based on currently available evidence, it is unclear whether APC His1629Arg is a pathogenic or benign variant. We consider it to be a variant of uncertain significance.

Literature cited by the submitters: PubMed 35534218 (cited by Labcorp Genetics (formerly Invitae), Labcorp and Ambry Genetics).

NM_000038.6(APC):c.4886A>G (p.His1629Arg)

Gene: APC (APC regulator of Wnt signaling pathway; plus strand). Cytogenetic location: 5q22.2.
Variant type: single nucleotide variant.
Coding change: c.4886A>G on transcript NM_000038.6 (MANE Select); coding-DNA position 4886, A replaced by G.
Protein change: p.His1629Arg; replaces histidine 1629 with arginine.
Molecular consequence: missense variant.
Genome position (GRCh38, 1-based): chr5:112,840,480, A>G. VCF-style: chr5-112840480-A-G. GRCh37 (hg19) VCF-style: chr5-112176177-A-G.
Other names: c.4886A>G, p.His1629Arg (NM_001127510.3, NM_001354895.2); c.4832A>G, p.His1611Arg (NM_001127511.3); c.4940A>G, p.His1647Arg (NM_001354896.2); c.4916A>G, p.His1639Arg (NM_001354897.2); c.4811A>G, p.His1604Arg (NM_001354898.2); c.4802A>G, p.His1601Arg (NM_001354899.2); c.4763A>G, p.His1588Arg (NM_001354900.2); c.4709A>G, p.His1570Arg (NM_001354901.2); and 5 more; short protein forms H1611R, H1629R, H1346R, H1469R, H1503R, H1639R, H1647R, H1604R.
Identifiers: ClinVar variation 423224 (VCV000423224.22), dbSNP rs1064796305, ClinGen allele CA16032039.